The following is an entry in ClinVar:

NM_001079866.2(BCS1L):c.461-9_461-7del

Gene: BCS1L (BCS1 ubiquinol-cytochrome c reductase complex chaperone; plus strand). Cytogenetic location: 2q35.
Variant type: Deletion.
Coding change: c.461-9_461-7del on transcript NM_001079866.2 (MANE Select); 9 bases into the intron before coding-DNA position 461 through 7 bases into the intron before coding-DNA position 461, 3 bases deleted (CCT; older notation c.461-9_461-7delCCT).
Molecular consequence: intron variant.
Genome position (GRCh38, 1-based): chr2:218,661,750-218,661,752, CCT deleted; deleting any 3 consecutive bases within chr2:218,661,748-218,661,752 gives the same sequence; the c. name uses the placement nearest the transcript's 3' end. VCF-style (leftmost placement, unchanged base first): chr2-218661747-TCTC-T. GRCh37 (hg19) VCF-style: chr2-219526470-TCTC-T.
Other names: c.461-9_461-7delCCT (NM_004328.4); c.461-9_461-7del (NM_001374085.1, NM_001371446.1, NM_001371450.1 and 10 more transcripts); c.-41-9_-41-7del (NM_001374086.1, NM_001371454.1, NM_001371453.1 and 3 more transcripts); c.101-9_101-7del (NM_001371451.1, NM_001318836.2).
Identifiers: ClinVar variation 1236356 (VCV001236356.10), dbSNP rs770698586, ClinGen allele CA2109676.
Genomic context (GRCh38, chr2:218,661,747, plus strand): 5'-CAGCTCCACCTAATTGAAGAATCAGCCATGGTGAAGAGAATTATTGGCTTTATCTCATCT[TCTC>T]CTTCCCAGCTCGAGAGCTAGCCTTGCAGCAGGAGGAAGGGAAGACCGTGATGTACACAGC-3'

ClinVar aggregate classification (germline): Likely benign. Review status: criteria provided, multiple submitters, no conflicts (2 of 4 stars). 3 submissions from 3 submitters: Likely benign (2). 1 of the submissions does not count toward it. Last evaluated 2025-12-13.

Conditions:
BCS1L-related disorder. Also called: BCS1L-related condition; BCS1L-related disorders. Identifiers: MedGen CN239240.

Submissions (3):

Labcorp Genetics (formerly Invitae), Labcorp
Classification: Likely benign. Last evaluated: 2025-12-13. Review status: criteria provided, single submitter. Criteria: Invitae Variant Classification Sherloc (09022015). Collection method: clinical testing. Allele origin: germline.

GeneDx
Classification: Likely benign. Last evaluated: 2021-04-22. Review status: criteria provided, single submitter. Criteria: GeneDx Variant Classification Process June 2021. Collection method: clinical testing. Allele origin: germline. Affected: yes.

PreventionGenetics, part of Exact Sciences
Classification: Likely benign for BCS1L-related condition. Last evaluated: 2019-06-05. Review status: no assertion criteria provided. Collection method: clinical testing. Allele origin: germline. Not counted in ClinVar's aggregate classification.
Comment: This variant is classified as likely benign based on ACMG/AMP sequence variant interpretation guidelines (Richards et al. 2015 PMID: 25741868, with internal and published modifications).